The following is an entry in ClinVar:

NC_000019.10:g.(?_53794029)_(53794156_?)del

Gene: NLRP12 (NLR family pyrin domain containing 12; minus strand). Cytogenetic location: 19q13.42.
Variant type: Deletion.
Identifiers: ClinVar variation 663946 (VCV000663946.2).

ClinVar aggregate classification (germline): Uncertain significance (1 of 4 stars; one submission).

Conditions:
Familial cold autoinflammatory syndrome 2 (FCAS2). Identifiers: Orphanet 247868, MedGen C2673198, MONDO:0012724, OMIM 611762.

Submission:

Labcorp Genetics (formerly Invitae), Labcorp
Classification: Uncertain significance for Familial cold autoinflammatory syndrome 2. Last evaluated: 2018-12-24. Review status: criteria provided, single submitter. Criteria: Invitae Variant Classification Sherloc (09022015). Collection method: clinical testing. Allele origin: germline.
Comment: This variant is a gross deletion of the genomic region encompassing exon 10 of the NLRP12 gene. The 5' boundary is likely confined to intron 9. The 3' end of this event is unknown as it extends through the termination codon beyond the assayed region for this gene and may encompass additional genes. While this deletion is not anticipated to result in nonsense mediated decay, it is expected to create a truncated protein product or disrupt mRNA translation. This variant has not been reported in the literature in individuals with NLRP12-related conditions. In summary, the available evidence is currently insufficient to determine the role of this variant in disease. Therefore, it has been classified as a Variant of Uncertain Significance.